The following is an entry in ClinVar:

NM_005198.5(CHKB):c.302T>C (p.Val101Ala)

Genes: CHKB (choline kinase beta; minus strand), CHKB-CPT1B (CHKB-CPT1B readthrough (NMD candidate); minus strand). Cytogenetic location: 22q13.33.
Variant type: single nucleotide variant.
Coding change: c.302T>C on transcript NM_005198.5 (MANE Select); coding-DNA position 302, T replaced by C.
Protein change: p.Val101Ala; replaces valine 101 with alanine.
Molecular consequence: missense variant. On other transcripts: non-coding transcript variant (1).
Genome position (GRCh38, 1-based): chr22:50,582,280, A>G on the plus strand (T>C on the coding strand, the complement: CHKB is on the minus strand). VCF-style: chr22-50582280-A-G. GRCh37 (hg19) VCF-style: chr22-51020709-A-G.
Other names: short protein forms V101A.
Identifiers: ClinVar variation 1429516 (VCV001429516.5), dbSNP rs1358664458, ClinGen allele CA412202354.

ClinVar aggregate classification (germline): Uncertain significance (1 of 4 stars; one submission).

Conditions:
Megaconial type congenital muscular dystrophy (MDCMC). Also called: MUSCULAR DYSTROPHY, CONGENITAL, WITH MITOCHONDRIAL STRUCTURAL ABNORMALITIES; CHKB-Related Muscle Diseases; CHKB-Related Muscular Dystrophy. Identifiers: Orphanet 280671, MedGen C1865233, MONDO:0011246, OMIM 602541.

Allele frequency attached by ClinVar (database versions not stated): gnomAD exomes below 0.00001 and 0.00001.
gnomAD v4.1: 2 of 1,593,312 alleles (0.00013%); highest among the groups gnomAD compares: Admixed American, 0.0035%; no homozygotes.

Submission:

Labcorp Genetics (formerly Invitae), Labcorp
Classification: Uncertain significance for Megaconial type congenital muscular dystrophy. Last evaluated: 2021-08-27. Review status: criteria provided, single submitter. Criteria: Invitae Variant Classification Sherloc (09022015). Collection method: clinical testing. Allele origin: germline.
Comment: This sequence change replaces valine with alanine at codon 101 of the CHKB protein (p.Val101Ala). The valine residue is moderately conserved and there is a small physicochemical difference between valine and alanine. This variant is not present in population databases (ExAC no frequency). This variant has not been reported in the literature in individuals affected with CHKB-related conditions. Algorithms developed to predict the effect of missense changes on protein structure and function are either unavailable or do not agree on the potential impact of this missense change (SIFT: "Tolerated"; PolyPhen-2: "Probably Damaging"; Align-GVGD: "Class C0"). In summary, the available evidence is currently insufficient to determine the role of this variant in disease. Therefore, it has been classified as a Variant of Uncertain Significance.